The following is an entry in ClinVar:

ClinVar aggregate classification (germline): Conflicting classifications of pathogenicity. Review status: criteria provided, conflicting classifications (1 of 4 stars). 2 submissions from 2 submitters: Uncertain significance (1); Likely benign (1). Last evaluated 2026-07-28.

Conditions:
HNF1B-related disorder. Also called: HNF1B-related disorders; HNF1B-related condition.

gnomAD v4.1: 3 of 1,613,246 alleles (0.00019%); highest among the groups gnomAD compares: Admixed American, 0.005%; no homozygotes.

Submissions (2):

PreventionGenetics, part of Exact Sciences
Classification: Uncertain significance for HNF1B-related condition. Last evaluated: 2026-07-28. Review status: criteria provided, single submitter. Criteria: ACMG Guidelines, 2015. Collection method: clinical testing. Allele origin: germline.
Comment: The HNF1B c.1270A>G variant is predicted to result in the amino acid substitution p.Thr424Ala. To our knowledge, this variant has not been reported in the literature. This variant is reported in 0.0029% of alleles in individuals of Latino descent in gnomAD. At this time, the clinical significance of this variant is uncertain due to the absence of conclusive functional and genetic evidence.

Labcorp Genetics (formerly Invitae), Labcorp
Classification: Likely benign. Last evaluated: 2025-06-22. Review status: criteria provided, single submitter. Criteria: Invitae Variant Classification Sherloc (09022015). Collection method: clinical testing. Allele origin: germline.

NM_000458.4(HNF1B):c.1662A>G (p.Leu554=)

Gene: HNF1B (HNF1 homeobox B; minus strand). Cytogenetic location: 17q12.
Variant type: single nucleotide variant.
Coding change: c.1662A>G on transcript NM_000458.4 (MANE Select); coding-DNA position 1662, A replaced by G.
Protein change: p.Leu554=; no amino-acid change (leucine 554 retained).
Molecular consequence: synonymous variant. On other transcripts: missense variant (2).
Genome position (GRCh38, 1-based): chr17:37,687,384, T>C on the plus strand (A>G on the coding strand, the complement: HNF1B is on the minus strand). VCF-style: chr17-37687384-T-C. GRCh37 (hg19) VCF-style: chr17-36047387-T-C.
Other names: c.1270A>G (NM_001304286.1); c.1584A>G, p.Leu528= (NM_001165923.4); c.1270A>G, p.Thr424Ala (NM_001304286.2); c.1543A>G, p.Thr515Ala (NM_001411100.1); short protein forms T424A, T515A.
Identifiers: ClinVar variation 4811990 (VCV004811990.2).